The following is an entry in ClinVar:

ClinVar aggregate classification (germline): Benign (1 of 4 stars; one submission).

Submission:

GeneDx
Classification: Benign. Last evaluated: 2018-06-14. Review status: criteria provided, single submitter. Criteria: GeneDx Variant Classification (06012015). Collection method: clinical testing. Allele origin: germline. Affected: yes.
Comment: This variant is considered likely benign or benign based on one or more of the following criteria: it is a conservative change, it occurs at a poorly conserved position in the protein, it is predicted to be benign by multiple in silico algorithms, and/or has population frequency not consistent with disease.

NM_004006.3(DMD):c.11047-150dup

Gene: DMD (dystrophin; minus strand). Cytogenetic location: Xp21.2.
Variant type: Duplication.
Coding change: c.11047-150dup on transcript NM_004006.3 (MANE Select); 150 bases into the intron before coding-DNA position 11047, one base duplicated (A; older notation c.11047-150dupA).
Molecular consequence: intron variant.
Genome position (GRCh38, 1-based): chrX:31,122,080, T duplicated on the plus strand (A on the coding strand, the reverse complement: DMD is on the minus strand); the first of 5 consecutive T bases (chrX:31,122,080-31,122,084); duplicating any one gives the same sequence. VCF-style (leftmost placement, unchanged base first): chrX-31122079-A-AT. GRCh37 (hg19) VCF-style: chrX-31140196-A-AT.
Other names: c.11047-150_11047-149insA (NM_004006.2); c.11023-150dup (NM_000109.4); c.7024-150dup (NM_004011.4); c.7015-150dup (NM_004012.4); c.3305-150dup (NM_004023.3); c.3337-150dup (NM_004020.4); c.3596-150dup (NM_004022.3); c.3635-150dup (NM_004021.3); and 8 more.
Identifiers: ClinVar variation 672567 (VCV000672567.1), dbSNP rs201776593, ClinGen allele CA328400772.